The following is an entry in ClinVar:

NM_001018115.3(FANCD2):c.3335+3G>A

Genes: FANCD2 (FA complementation group D2; plus strand), FANCD2OS (FANCD2 opposite strand; minus strand). Cytogenetic location: 3p25.3.
Variant type: single nucleotide variant.
Coding change: c.3335+3G>A on transcript NM_001018115.3 (MANE Select); 3 bases into the intron after coding-DNA position 3335, G replaced by A.
Molecular consequence: intron variant.
Genome position (GRCh38, 1-based): chr3:10,085,925, G>A. VCF-style: chr3-10085925-G-A. GRCh37 (hg19) VCF-style: chr3-10127609-G-A.
Other names: c.3335+3G>A (NM_001319984.2, NM_033084.6, NM_001374254.1); c.3224+3G>A (NM_001374253.1); c.*44-4394C>T (NM_173472.2).
Identifiers: ClinVar variation 2158759 (VCV002158759.1), dbSNP rs1356789236, ClinGen allele CA540879528.
Genomic context (GRCh38, chr3:10,085,925, plus strand): 5'-TCCTTAGTAGCCGACTGAAACAGGGAGAACACAGCCAGCCTTTGGAGGAACTACTCAGGT[G>A]AGTCATAACTACATAGCCAAGATTGTTGTCCCAAGAAACTCCTAGGAACAGGATTGGCAA-3'

ClinVar aggregate classification (germline): Uncertain significance (1 of 4 stars; one submission).

Conditions:
Fanconi anemia (FA). Also called: Fanconi's anemia. Identifiers: Orphanet 84, MedGen C0015625, MeSH D005199, MONDO:0019391.

Allele frequency attached by ClinVar (database versions not stated): gnomAD exomes 0.00001.
gnomAD v4.1: 14 of 1,587,196 alleles (0.00088%); highest among the groups gnomAD compares: Non-Finnish European, 0.0012%; no homozygotes.

Submission:

Labcorp Genetics (formerly Invitae), Labcorp
Classification: Uncertain significance for Fanconi anemia. Last evaluated: 2025-07-02. Review status: criteria provided, single submitter. Criteria: Invitae Variant Classification Sherloc (09022015). Collection method: clinical testing. Allele origin: germline.
Comment: This sequence change falls in intron 33 of the FANCD2 gene. It does not directly change the encoded amino acid sequence of the FANCD2 protein. It affects a nucleotide within the consensus splice site. This variant is present in population databases (no rsID available, gnomAD 0.002%). This variant has not been reported in the literature in individuals affected with FANCD2-related conditions. ClinVar contains an entry for this variant (Variation ID: 2158759). Variants that disrupt the consensus splice site are a relatively common cause of aberrant splicing (PMID: 17576681, 9536098). Algorithms developed to predict the effect of sequence changes on RNA splicing suggest that this variant is not likely to affect RNA splicing. In summary, the available evidence is currently insufficient to determine the role of this variant in disease. Therefore, it has been classified as a Variant of Uncertain Significance.

Literature cited by the submitters: PubMed 17576681; PubMed 9536098.